The following is an entry in ClinVar:

ClinVar aggregate classification (germline): Uncertain significance (1 of 4 stars; one submission).

Conditions:
Cardiovascular phenotype. Identifiers: MedGen CN230736.

Allele frequency attached by ClinVar (database versions not stated): gnomAD exomes below 0.00001.
gnomAD v4.1: 1 of 1,613,460 alleles (0.000062%); highest among the groups gnomAD compares: Admixed American, 0.0017%; no homozygotes.

Submission:

Ambry Genetics
Classification: Uncertain significance for Cardiovascular phenotype. Last evaluated: 2022-09-13. Review status: criteria provided, single submitter. Criteria: Ambry Variant Classification Scheme 2023. Collection method: clinical testing. Allele origin: germline.
Comment: The p.H3599Q variant (also known as c.10797T>A), located in coding exon 40 of the ANK2 gene, results from a T to A substitution at nucleotide position 10797. The histidine at codon 3599 is replaced by glutamine, an amino acid with highly similar properties. This amino acid position is conserved. In addition, the in silico prediction for this alteration is inconclusive. Since supporting evidence is limited at this time, the clinical significance of this alteration remains unclear.

NM_001148.6(ANK2):c.10797T>A (p.His3599Gln)

Gene: ANK2 (ankyrin 2; plus strand). Cytogenetic location: 4q26.
Variant type: single nucleotide variant.
Coding change: c.10797T>A on transcript NM_001148.6 (MANE Select); coding-DNA position 10797, T replaced by A.
Protein change: p.His3599Gln; replaces histidine 3599 with glutamine.
Molecular consequence: missense variant.
Genome position (GRCh38, 1-based): chr4:113,363,378, T>A. VCF-style: chr4-113363378-T-A. GRCh37 (hg19) VCF-style: chr4-114284534-T-A.
Other names: c.4515T>A, p.His1505Gln (NM_001127493.3); c.4554T>A, p.His1518Gln (NM_001354225.2); c.4443T>A, p.His1481Gln (NM_001354228.2, NM_001354258.2); c.4521T>A, p.His1507Gln (NM_001354230.2); c.4584T>A, p.His1528Gln (NM_001354231.2, NM_001354242.2); c.4578T>A, p.His1526Gln (NM_001354232.2); c.4539T>A, p.His1513Gln (NM_001354235.2, NM_001354246.2, NM_001354265.2); c.4440T>A, p.His1480Gln (NM_001354236.2); and 35 more; short protein forms H1386Q, H1459Q, H1462Q, H1467Q, H1471Q, H1492Q, H1504Q, H1505Q.
Identifiers: ClinVar variation 1785610 (VCV001785610.2), dbSNP rs1349611633, ClinGen allele CA357941256.